The following is an entry in ClinVar:

NM_000020.3(ACVRL1):c.1450C>T (p.Arg484Trp)

Gene: ACVRL1 (activin A receptor like type 1; plus strand). Cytogenetic location: 12q13.13.
Variant type: single nucleotide variant.
Coding change: c.1450C>T on transcript NM_000020.3 (MANE Select); coding-DNA position 1450, C replaced by T.
Protein change: p.Arg484Trp; replaces arginine 484 with tryptophan.
Molecular consequence: missense variant.
Genome position (GRCh38, 1-based): chr12:51,920,831, C>T. VCF-style: chr12-51920831-C-T. GRCh37 (hg19) VCF-style: chr12-52314615-C-T.
Other names: c.1450C>T, p.Arg484Trp (NM_001077401.2); short protein forms R484W.
Identifiers: ClinVar variation 8252 (VCV000008252.32), dbSNP rs121909288, ClinGen allele CA119404.

ClinVar aggregate classification (germline): Pathogenic. Review status: criteria provided, multiple submitters, no conflicts (2 of 4 stars). 13 submissions from 12 submitters: Pathogenic (9). 4 of the submissions do not count toward it. Last evaluated 2026-04-30.

Conditions:
ACVRL1-related disorder. Also called: ACVRL1-related condition; ACVRL1-related disorders.
Cardiovascular phenotype. Identifiers: MedGen CN230736.
Pulmonary arterial hypertension. Identifiers: Orphanet 182090, MedGen C2973725, MeSH D000081029, MONDO:0015924, HP:0002092.
Pulmonary arterial hypertension related to hereditary hemorrhagic telangiectasia. Also called: PULMONARY ARTERIAL HYPERTENSION, HEREDITARY HEMORRHAGIC TELANGIECTASIA-RELATED. Identifiers: MedGen C1832529.
Telangiectasia, hereditary hemorrhagic, type 2 (HHT2). Also called: Telangiectasia, hereditary hemorrhagic, type II; ACVRL1-Related Hereditary Hemorrhagic Telangiectasia. Identifiers: Orphanet 774, MedGen C1838163, MONDO:0010880, OMIM 600376. Disease mechanism: loss of function.

Allele frequency attached by ClinVar (database versions not stated): TOPMed below 0.00001; gnomAD 0.00001.
gnomAD v4.1: 3 of 1,612,972 alleles (0.00019%); highest among the groups gnomAD compares: Non-Finnish European, 0.00017%; no homozygotes.

Submissions (13):

Ambry Genetics
Classification: Pathogenic for Cardiovascular phenotype. Last evaluated: 2026-04-30. Review status: criteria provided, single submitter. Criteria: Ambry Variant Classification Scheme 2023. Collection method: clinical testing. Allele origin: germline.
Comment: The c.1450C>T (p.R484W) alteration is located in exon 10 (coding exon 9) of the ACVRL1 gene. This alteration results from a C to T substitution at nucleotide position 1450, causing the arginine (R) at amino acid position 484 to be replaced by a tryptophan (W). Based on data from gnomAD, the T allele has an overall frequency of 0.003% (1/31348) total alleles studied. The highest observed frequency was 0.007% (1/15402) of European (non-Finnish) alleles. This variant was reported in individuals with features consistent with autosomal dominant ACVRL1-related vascular disorder and segregated with disease in at least one family (Trembath 2001, Lesca 2004, Letteboer 2005, Olivieri 2006, Lenato 2006, Heimdal 2016; Ambry internal data). Another variant at the same codon, p.R484Q c.1451G>A, have been identified in individuals with features consistent with autosomal dominant ACVRL1-related vascular disorder (Sommer 2019, Harrison 2005; Ambry internal data). This amino acid position is highly conserved in available vertebrate species. This alteration is predicted to be deleterious by in silico analysis. Based on the available evidence, this alteration is classified as pathogenic.

PreventionGenetics, part of Exact Sciences
Classification: Pathogenic for ACVRL1-related condition. Last evaluated: 2026-04-10. Review status: criteria provided, single submitter. Criteria: ACMG Guidelines, 2015. Collection method: clinical testing. Allele origin: germline.
Comment: The ACVRL1 c.1450C>T variant is predicted to result in the amino acid substitution p.Arg484Trp. This variant has been reported in multiple individuals with pulmonary arterial hypertension (PAH) and/or hereditary hemorrhagic telangiectasia (HHT) (see for example: Lenato et al. 2006. PubMed ID: 16429404; Girerd et al. 2010. PubMed ID: 20056902; Zhu et al. 2019. PubMed ID: 31727138; Table S1, McDonald et al. 2020. PubMed ID: 32300199). This variant segregated with disease in a family with HHT and PAH (Trembath et al. 2001. PubMed ID: 11484689), and has also been reported as de novo in an individual with PAH (Yang et al. 2018. PubMed ID: 29743074). In vitro functional studies using HeLa cells and COS-7 cells demonstrated that this variant results in endoplasmic reticulum (ER) retention and defective protein trafficking to the plasma membrane (Hume et al. 2012. PubMed ID: 23124896). This variant is reported in 0.0065% of alleles in individuals of European (non-Finnish) descent in gnomAD, and is interpreted as pathogenic in ClinVar (Variation ID: 8252). In addition, an alternate missense change impacting the same amino acid (p.Arg484Gln) has been reported in individuals with HHT (Harrison et al. 2005. PubMed ID: 15687131). Taken together, the c.1450C>T (p.Arg484Trp) variant is interpreted as pathogenic.

Labcorp Genetics (formerly Invitae), Labcorp
Classification: Pathogenic for Telangiectasia, hereditary hemorrhagic, type 2. Last evaluated: 2025-08-12. Review status: criteria provided, single submitter. Criteria: Invitae Variant Classification Sherloc (09022015). Collection method: clinical testing. Allele origin: germline.
Comment: This sequence change replaces arginine, which is basic and polar, with tryptophan, which is neutral and slightly polar, at codon 484 of the ACVRL1 protein (p.Arg484Trp). This variant is present in population databases (rs121909288, gnomAD 0.007%). This missense change has been observed in individual(s) with hereditary hemorrhagic telangiectasia or pulmonary hypertension (PMID: 11484689, 29449337). In at least one individual the variant was observed to be de novo. ClinVar contains an entry for this variant (Variation ID: 8252). Invitae Evidence Modeling of protein sequence and biophysical properties (such as structural, functional, and spatial information, amino acid conservation, physicochemical variation, residue mobility, and thermodynamic stability) indicates that this missense variant is expected to disrupt ACVRL1 protein function with a positive predictive value of 95%. Experimental studies have shown that this missense change affects ACVRL1 function (PMID: 20501893, 23124896, 27316748). This variant disrupts the p.Arg484 amino acid residue in ACVRL1. Other variant(s) that disrupt this residue have been determined to be pathogenic (PMID: 15687131, 17786384, 20501893, 21378382, 23919827). This suggests that this residue is clinically significant, and that variants that disrupt this residue are likely to be disease-causing. For these reasons, this variant has been classified as Pathogenic.

GeneDx
Classification: Pathogenic. Last evaluated: 2022-10-03. Review status: criteria provided, single submitter. Criteria: GeneDx Variant Classification Process June 2021. Collection method: clinical testing. Allele origin: germline. Affected: yes.
Comment: Not observed at significant frequency in large population cohorts (gnomAD); Published functional studies demonstrate a damaging effect and suggest functional haploinsufficiency as the mechanism of disease (Ricard et al., 2010; Piao et al., 2016); In silico analysis supports that this missense variant has a deleterious effect on protein structure/function; This variant is associated with the following publications: (PMID: 11484689, 15266205, 26387786, 29449337, 23124896, 18673552, 25970827, 16282348, 15024723, 15517393, 18285823, 15879500, 16429404, 12114496, 16690726, 16540754, 14684682, 17786384, 27316748, 30303062, 29650961, 29743074, 31727138, 27587546, 31019026, 32581362, 32300199, 30578383, 20501893, 32503579, 35346192)

Blueprint Genetics
Classification: Pathogenic for ACVRL1-related disorders. Last evaluated: 2022-05-12. Review status: criteria provided, single submitter. Criteria: ACMG Guidelines, 2015. Collection method: clinical testing. Allele origin: germline. Affected: yes. Observed: 3 variant alleles.

Genetics and Molecular Pathology, SA Pathology
Classification: Pathogenic for Telangiectasia, hereditary hemorrhagic, type 2. Last evaluated: 2022-05-11. Review status: criteria provided, single submitter. Criteria: ACMG Guidelines, 2015. Collection method: clinical testing. Allele origin: germline. Affected: yes.

Mayo Clinic Laboratories, Mayo Clinic
Classification: Pathogenic. Last evaluated: 2021-05-26. Review status: criteria provided, single submitter. Criteria: ACMG Guidelines, 2015. Collection method: clinical testing. Allele origin: germline.
Comment: PM6_very strong, PS3, PS4_moderate, PM5, PM1, PM2, PP3, PP2

Rady Children's Institute for Genomic Medicine, Rady Children's Hospital San Diego
Classification: Pathogenic for PULMONARY ARTERIAL HYPERTENSION, HEREDITARY HEMORRHAGIC TELANGIECTASIA-RELATED. Last evaluated: 2017-07-19. Review status: criteria provided, single submitter. Criteria: ACMG Guidelines, 2015. Collection method: clinical testing. Allele origin: germline. Affected: yes. Observed: 1 variant allele.
Comment: This missense variant is found in exon 10 of the ACVRL1 gene. This variant, as well as another pathogenic variant at the same amino acid position, are well reported in the literature. The p.Arg484Trp variant has been reported in at least five cases from three independent families in the literature in patients with HHT (PMID: 11484689, 15024723, 27316748). Functional studies have shown that the p.Arg484Trp variant, which lies in the intracellular kinase domain, negatively affects trafficking in the endoplasmic reticulum in HHT patients (PMID: 23124896). The variant is not found in any allele frequency databases. Thus, it is presumed to be rare. Based on the available evidence, this variant is classified as pathogenic.

ARUP Laboratories, Molecular Genetics and Genomics, ARUP Laboratories
Classification: Pathogenic. Last evaluated: 2016-12-08. Review status: criteria provided, single submitter. Criteria: ARUP Molecular Germline Variant Investigation Process. Collection method: clinical testing. Allele origin: germline.

OMIM
Classification: Pathogenic for TELANGIECTASIA, HEREDITARY HEMORRHAGIC, TYPE 2. Last evaluated: 2001-08-02. Review status: no assertion criteria provided. Collection method: literature only. Allele origin: germline. Not counted in ClinVar's aggregate classification.

OMIM
Classification: Pathogenic for PULMONARY ARTERIAL HYPERTENSION, HEREDITARY HEMORRHAGIC TELANGIECTASIA-RELATED. Last evaluated: 2001-08-02. Review status: no assertion criteria provided. Collection method: literature only. Allele origin: germline. Not counted in ClinVar's aggregate classification.

NIHR Bioresource Rare Diseases, University of Cambridge
Classification: Likely pathogenic for Pulmonary arterial hypertension. Review status: no assertion criteria provided. Collection method: research. Allele origin: unknown. Affected: yes. Observed: 1 variant allele. Not counted in ClinVar's aggregate classification.

Rare Disease Genomics Group, St George's University of London
Classification: Pathogenic for Pulmonary arterial hypertension related to hereditary hemorrhagic telangiectasia. Review status: no assertion criteria provided. Collection method: literature only. Allele origin: germline. Affected: yes. Not counted in ClinVar's aggregate classification.

Literature cited by the submitters: PubMed 11484689 (cited by 5 submitters); PubMed 15024723 (cited by Ambry Genetics and Mayo Clinic Laboratories, Mayo Clinic); PubMed 15517393 (cited by Ambry Genetics); PubMed 15687131 (cited by Ambry Genetics and Labcorp Genetics (formerly Invitae), Labcorp); PubMed 16429404 (cited by Ambry Genetics); PubMed 16540754 (cited by Ambry Genetics); PubMed 25970827 (cited by Ambry Genetics); PubMed 30260738 (cited by Ambry Genetics); PubMed 29449337 (cited by Labcorp Genetics (formerly Invitae), Labcorp and Mayo Clinic Laboratories, Mayo Clinic); PubMed 20501893 (cited by Labcorp Genetics (formerly Invitae), Labcorp and Mayo Clinic Laboratories, Mayo Clinic); PubMed 23124896 (cited by Labcorp Genetics (formerly Invitae), Labcorp and Mayo Clinic Laboratories, Mayo Clinic); PubMed 27316748 (cited by Labcorp Genetics (formerly Invitae), Labcorp and Mayo Clinic Laboratories, Mayo Clinic); PubMed 17786384 (cited by Labcorp Genetics (formerly Invitae), Labcorp); PubMed 21378382 (cited by Labcorp Genetics (formerly Invitae), Labcorp); PubMed 23919827 (cited by Labcorp Genetics (formerly Invitae), Labcorp); PubMed 27587546 (cited by Mayo Clinic Laboratories, Mayo Clinic); PubMed 30303062 (cited by Mayo Clinic Laboratories, Mayo Clinic); PubMed 30578383 (cited by Mayo Clinic Laboratories, Mayo Clinic); PubMed 29650961 (cited by Mayo Clinic Laboratories, Mayo Clinic); PubMed 29743074 (cited by Mayo Clinic Laboratories, Mayo Clinic); PubMed 31019026 (cited by Mayo Clinic Laboratories, Mayo Clinic); PubMed 32300199 (cited by Mayo Clinic Laboratories, Mayo Clinic); PubMed 32503579 (cited by Mayo Clinic Laboratories, Mayo Clinic); PubMed 32581362 (cited by Mayo Clinic Laboratories, Mayo Clinic and NIHR Bioresource Rare Diseases, University of Cambridge); PubMed 20056902 (cited by Rare Disease Genomics Group, St George's University of London).